The following is an entry in ClinVar:

NM_006744.4(RBP4):c.568G>A (p.Gly190Ser)

Gene: RBP4 (retinol binding protein 4; minus strand). Cytogenetic location: 10q23.33.
Variant type: single nucleotide variant.
Coding change: c.568G>A on transcript NM_006744.4 (MANE Select); coding-DNA position 568, G replaced by A.
Protein change: p.Gly190Ser; replaces glycine 190 with serine.
Molecular consequence: missense variant.
Genome position (GRCh38, 1-based): chr10:93,593,823, C>T on the plus strand (G>A on the coding strand, the complement: RBP4 is on the minus strand). VCF-style: chr10-93593823-C-T. GRCh37 (hg19) VCF-style: chr10-95353580-C-T.
Other names: c.568G>A, p.Gly190Ser (NM_001323517.1); c.562G>A, p.Gly188Ser (NM_001323518.2); short protein forms G188S, G190S.
Identifiers: ClinVar variation 1413985 (VCV001413985.8), dbSNP rs1009832282, ClinGen allele CA211550723.

ClinVar aggregate classification (germline): Uncertain significance (1 of 4 stars; one submission).

Allele frequency attached by ClinVar (database versions not stated): gnomAD exomes 0.00001 and 0.00010.

Submission:

Labcorp Genetics (formerly Invitae), Labcorp
Classification: Uncertain significance. Last evaluated: 2025-06-30. Review status: criteria provided, single submitter. Criteria: Invitae Variant Classification Sherloc (09022015). Collection method: clinical testing. Allele origin: germline.
Comment: This sequence change replaces glycine, which is neutral and non-polar, with serine, which is neutral and polar, at codon 190 of the RBP4 protein (p.Gly190Ser). This variant also falls at the last nucleotide of exon 5, which is part of the consensus splice site for this exon. This variant is present in population databases (no rsID available, gnomAD 0.003%). This variant has not been reported in the literature in individuals affected with RBP4-related conditions. ClinVar contains an entry for this variant (Variation ID: 1413985). An algorithm developed to predict the effect of missense changes on protein structure and function (PolyPhen-2) suggests that this variant is likely to be disruptive. Variants that disrupt the consensus splice site are a relatively common cause of aberrant splicing (PMID: 17576681, 9536098). In summary, the available evidence is currently insufficient to determine the role of this variant in disease. Therefore, it has been classified as a Variant of Uncertain Significance.

Literature cited by the submitters: PubMed 17576681; PubMed 9536098.